The following is an entry in ClinVar:

NM_002335.4(LRP5):c.2206G>C (p.Asp736His)

Gene: LRP5 (LDL receptor related protein 5; plus strand). Cytogenetic location: 11q13.2.
Variant type: single nucleotide variant.
Coding change: c.2206G>C on transcript NM_002335.4 (MANE Select); coding-DNA position 2206, G replaced by C.
Protein change: p.Asp736His; replaces aspartic acid 736 with histidine.
Molecular consequence: missense variant.
Genome position (GRCh38, 1-based): chr11:68,410,028, G>C. VCF-style: chr11-68410028-G-C. GRCh37 (hg19) VCF-style: chr11-68177496-G-C.
Other names: c.463G>C, p.Asp155His (NM_001291902.2); short protein forms D155H, D736H.
Identifiers: ClinVar variation 1393098 (VCV001393098.6), dbSNP rs776613004, ClinGen allele CA381616506.

ClinVar aggregate classification (germline): Uncertain significance (1 of 4 stars; one submission).

Submission:

Labcorp Genetics (formerly Invitae), Labcorp
Classification: Uncertain significance. Last evaluated: 2021-11-13. Review status: criteria provided, single submitter. Criteria: Invitae Variant Classification Sherloc (09022015). Collection method: clinical testing. Allele origin: germline.
Comment: This variant is not present in population databases (gnomAD no frequency). This variant has not been reported in the literature in individuals affected with LRP5-related conditions. Advanced modeling of protein sequence and biophysical properties (such as structural, functional, and spatial information, amino acid conservation, physicochemical variation, residue mobility, and thermodynamic stability) performed at Invitae indicates that this missense variant is expected to disrupt LRP5 protein function. In summary, the available evidence is currently insufficient to determine the role of this variant in disease. Therefore, it has been classified as a Variant of Uncertain Significance. This sequence change replaces aspartic acid, which is acidic and polar, with histidine, which is basic and polar, at codon 736 of the LRP5 protein (p.Asp736His).